The following is an entry in ClinVar:

ClinVar aggregate classification (germline): Likely pathogenic (1 of 4 stars; one submission).

Submission:

Labcorp Genetics (formerly Invitae), Labcorp
Classification: Likely pathogenic. Last evaluated: 2025-10-01. Review status: criteria provided, single submitter. Criteria: Invitae Variant Classification Sherloc (09022015). Collection method: clinical testing. Allele origin: germline.
Comment: This sequence change affects an acceptor splice site in intron 8 of the TET2 gene. It is expected to disrupt RNA splicing. Variants that disrupt the donor or acceptor splice site typically lead to a loss of protein function (PMID: 16199547), and loss-of-function variants in TET2 are known to be pathogenic (PMID: 36066697). This variant is not present in population databases (gnomAD no frequency). This variant has not been reported in the literature in individuals affected with TET2-related conditions. ClinVar contains an entry for this variant (Variation ID: 3660550). Algorithms developed to predict the effect of sequence changes on RNA splicing suggest that this variant may disrupt the consensus splice site. In summary, the currently available evidence indicates that the variant is pathogenic, but additional data are needed to prove that conclusively. Therefore, this variant has been classified as Likely Pathogenic.

Literature cited by the submitters: PubMed 16199547; PubMed 36066697.

NM_001127208.3(TET2):c.4045-2A>C

Genes: TET2 (tet methylcytosine dioxygenase 2; plus strand), TET2-AS1 (TET2 antisense RNA 1; minus strand). Cytogenetic location: 4q24.
Variant type: single nucleotide variant.
Coding change: c.4045-2A>C on transcript NM_001127208.3 (MANE Select); the canonical splice acceptor site of the intron before coding-DNA position 4045, A replaced by C.
Molecular consequence: splice acceptor variant.
Genome position (GRCh38, 1-based): chr4:105,269,608, A>C. VCF-style: chr4-105269608-A-C. GRCh37 (hg19) VCF-style: chr4-106190765-A-C.
Identifiers: ClinVar variation 3660550 (VCV003660550.2).